The following is an entry in ClinVar:

NM_020693.4(DSCAML1):c.4054G>A (p.Ala1352Thr)

Gene: DSCAML1 (DS cell adhesion molecule like 1; minus strand). Cytogenetic location: 11q23.3.
Variant type: single nucleotide variant.
Coding change: c.4054G>A on transcript NM_020693.4 (MANE Select); coding-DNA position 4054, G replaced by A.
Protein change: p.Ala1352Thr; replaces alanine 1352 with threonine.
Molecular consequence: missense variant.
Genome position (GRCh38, 1-based): chr11:117,439,356, C>T on the plus strand (G>A on the coding strand, the complement: DSCAML1 is on the minus strand). VCF-style: chr11-117439356-C-T. GRCh37 (hg19) VCF-style: chr11-117310072-C-T.
Other names: short protein forms A1352T.
Identifiers: ClinVar variation 3635542 (VCV003635542.2).

ClinVar aggregate classification (germline): Uncertain significance (1 of 4 stars; one submission).

gnomAD v4.1: 6 of 1,613,914 alleles (0.00037%); highest among the groups gnomAD compares: Non-Finnish European, 0.00051%; no homozygotes.

Submission:

Labcorp Genetics (formerly Invitae), Labcorp
Classification: Uncertain significance. Last evaluated: 2024-04-25. Review status: criteria provided, single submitter. Criteria: Invitae Variant Classification Sherloc (09022015). Collection method: clinical testing. Allele origin: germline.
Comment: This sequence change replaces alanine, which is neutral and non-polar, with threonine, which is neutral and polar, at codon 1412 of the DSCAML1 protein (p.Ala1412Thr). This variant is present in population databases (no rsID available, gnomAD 0.002%). This variant has not been reported in the literature in individuals affected with DSCAML1-related conditions. An algorithm developed to predict the effect of missense changes on protein structure and function (PolyPhen-2) suggests that this variant is likely to be tolerated. In summary, the available evidence is currently insufficient to determine the role of this variant in disease. Therefore, it has been classified as a Variant of Uncertain Significance.